The following is an entry in ClinVar:

ClinVar aggregate classification (germline): Conflicting classifications of pathogenicity. Review status: criteria provided, conflicting classifications (1 of 4 stars). 4 submissions from 4 submitters: Uncertain significance (3); Likely benign (1). Last evaluated 2025-08-22.

Conditions:
Cardiovascular phenotype. Identifiers: MedGen CN230736.
Dilated cardiomyopathy 1O (CMD1O). Also called: CARDIOMYOPATHY, DILATED, WITH VENTRICULAR TACHYCARDIA. Identifiers: Orphanet 154, MedGen C1837839, MONDO:0012062, OMIM 608569.

Allele frequency attached by ClinVar (database versions not stated): TOPMed 0.00002; ESP Exome Variant Server 0.00008.
gnomAD v4.1: 38 of 1,611,008 alleles (0.0024%); highest among the groups gnomAD compares: Middle Eastern, 0.049%; no homozygotes.

Submissions (4):

Labcorp Genetics (formerly Invitae), Labcorp
Classification: Uncertain significance for Dilated cardiomyopathy 1O. Last evaluated: 2025-08-22. Review status: criteria provided, single submitter. Criteria: Invitae Variant Classification Sherloc (09022015). Collection method: clinical testing. Allele origin: germline.
Comment: This sequence change falls in intron 29 of the ABCC9 gene. It does not directly change the encoded amino acid sequence of the ABCC9 protein. It affects a nucleotide within the consensus splice site. This variant is present in population databases (rs189565793, gnomAD 0.007%). This variant has not been reported in the literature in individuals affected with ABCC9-related conditions. ClinVar contains an entry for this variant (Variation ID: 997882). Variants that disrupt the consensus splice site are a relatively common cause of aberrant splicing (PMID: 17576681, 9536098). Algorithms developed to predict the effect of sequence changes on RNA splicing suggest that this variant is not likely to affect RNA splicing. In summary, the available evidence is currently insufficient to determine the role of this variant in disease. Therefore, it has been classified as a Variant of Uncertain Significance.

Ambry Genetics
Classification: Uncertain significance for Cardiovascular phenotype. Last evaluated: 2025-05-25. Review status: criteria provided, single submitter. Criteria: Ambry Variant Classification Scheme 2023. Collection method: clinical testing. Allele origin: germline.
Comment: The c.3669+4C>T intronic variant results from a C to T substitution 4 nucleotides after coding exon 29 in the ABCC9 gene. This nucleotide position is not well conserved in available vertebrate species. In silico splice site analysis predicts that this alteration will not have any significant effect on splicing. Based on the available evidence, the clinical significance of this variant remains unclear.

Women's Health and Genetics/Laboratory Corporation of America, LabCorp
Classification: Uncertain significance. Last evaluated: 2021-02-22. Review status: criteria provided, single submitter. Criteria: LabCorp Variant Classification Summary - May 2015. Collection method: clinical testing. Allele origin: germline.
Comment: Variant summary: ABCC9 c.3669+4C>T alters a conserved nucleotide located close to a canonical splice site and therefore could affect mRNA splicing, leading to a significantly altered protein sequence. 4/4 computational tools predict no significant impact on normal splicing. However, these predictions have yet to be confirmed by functional studies. The variant allele was found at a frequency of 2.4e-05 in 251344 control chromosomes. The available data on variant occurrences in the general population are insufficient to allow any conclusion about variant significance. To our knowledge, no occurrence of c.3669+4C>T in individuals affected with Dilated Cardiomyopathy and no experimental evidence demonstrating its impact on protein function have been reported. No clinical diagnostic laboratories have submitted clinical-significance assessments for this variant to ClinVar after 2014. Based on the evidence outlined above, the variant was classified as uncertain significance.

GeneDx
Classification: Likely benign. Last evaluated: 2020-03-27. Review status: criteria provided, single submitter. Criteria: GeneDx Variant Classification Process June 2021. Collection method: clinical testing. Allele origin: germline. Affected: yes.

Literature cited by the submitters: PubMed 17576681 (cited by Labcorp Genetics (formerly Invitae), Labcorp); PubMed 9536098 (cited by Labcorp Genetics (formerly Invitae), Labcorp).

NM_020297.4(ABCC9):c.3669+4C>T

Genes: KCNJ8-AS1 (KCNJ8 antisense RNA 1; plus strand), ABCC9 (ATP binding cassette subfamily C member 9; minus strand). Cytogenetic location: 12p12.1.
Variant type: single nucleotide variant.
Coding change: c.3669+4C>T on transcript NM_020297.4 (MANE Select); 4 bases into the intron after coding-DNA position 3669, C replaced by T.
Molecular consequence: intron variant.
Genome position (GRCh38, 1-based): chr12:21,828,954, G>A on the plus strand (C>T on the coding strand, the complement: ABCC9 is on the minus strand). VCF-style: chr12-21828954-G-A. GRCh37 (hg19) VCF-style: chr12-21981888-G-A.
Other names: c.3669+4C>T (NM_005691.2, NM_005691.4, NM_001377273.1); c.2802+4C>T (NM_001377274.1).
Identifiers: ClinVar variation 997882 (VCV000997882.12), dbSNP rs189565793, ClinGen allele CA6481068.